The following is an entry in ClinVar:

ClinVar aggregate classification (germline): Likely pathogenic. Review status: criteria provided, multiple submitters, no conflicts (2 of 4 stars). 3 submissions from 3 submitters: Likely pathogenic (3). Last evaluated 2026-02-23.

Conditions:
Autosomal recessive limb-girdle muscular dystrophy type 2J (LGMDR10). Also called: Limb-girdle muscular dystrophy, type 2J; MUSCULAR DYSTROPHY, LIMB-GIRDLE, AUTOSOMAL RECESSIVE 10. Identifiers: Orphanet 140922, MedGen C1837342, MONDO:0012127, OMIM 608807.
Dilated cardiomyopathy 1G (CMD1G). Identifiers: Orphanet 154, MedGen C1858763, MONDO:0011400, OMIM 604145.
Cardiovascular phenotype. Identifiers: MedGen CN230736.

Submissions (3):

Ambry Genetics
Classification: Likely pathogenic for Cardiovascular phenotype. Last evaluated: 2026-02-23. Review status: criteria provided, single submitter. Criteria: Ambry Variant Classification Scheme 2023. Collection method: clinical testing. Allele origin: germline.
Comment: The c.54563delA variant, located in coding exon 153 of the TTN gene, results from a deletion of one nucleotide at nucleotide position 54563, causing a translational frameshift with a predicted alternate stop codon (p.N18188Tfs*97). This exon is located in the A-band region of the N2-B isoform of the titin protein and is constitutively expressed in TTN transcripts (percent spliced in or PSI 100%). This variant is considered to be rare based on population cohorts in the Genome Aggregation Database (gnomAD). This variant is expected to result in loss of function by premature protein truncation or nonsense-mediated mRNA decay. While truncating variants in TTN are present in 1-3% of the general population, truncating variants in the A-band are the most common cause of dilated cardiomyopathy (Herman DS et al. N. Engl. J. Med., 2012 Feb;366:619-28; Roberts AM et al. Sci Transl Med, 2015 Jan;7:270ra6). TTN truncating variants encoded in constitutive exons (PSI >90%) have been found to be significantly associated with DCM regardless of their position in titin (Schafer S et al. Nat. Genet., 2017 01;49:46-53; Akhtar MM et al. Circ Heart Fail, 2020 Oct;13:e006832; Massier M et al. Clin Genet, 2025 Jan). Based on the majority of available evidence to date, this variant is likely to be pathogenic.

GeneDx
Classification: Likely pathogenic. Last evaluated: 2025-11-24. Review status: criteria provided, single submitter. Criteria: GeneDx Variant Classification Process June 2021. Collection method: clinical testing. Allele origin: germline.
Comment: Frameshift variant predicted to result in protein truncation or nonsense mediated decay in a gene for which loss of function is a known mechanism of disease; Located in the A-band, a region of TTN for which truncating variants are significantly associated with autosomal dominant cardiomyopathy and also with autosomal recessive skeletal myopathies (PMID: 22335739, 32778822); Not observed at significant frequency in large population cohorts (gnomAD); Has not been previously published as pathogenic or benign to our knowledge; This variant is associated with the following publications: (PMID: 22335739, 32778822)

Labcorp Genetics (formerly Invitae), Labcorp
Classification: Likely pathogenic for Dilated cardiomyopathy 1G; Autosomal recessive limb-girdle muscular dystrophy type 2J. Last evaluated: 2025-09-22. Review status: criteria provided, single submitter. Criteria: Invitae Variant Classification Sherloc (09022015). Collection method: clinical testing. Allele origin: germline.
Comment: This sequence change creates a premature translational stop signal (p.Asn27253Thrfs*97) in the TTN gene. While this is not anticipated to result in nonsense mediated decay, it is expected to create a truncated TTN protein. This variant is not present in population databases (gnomAD no frequency). This premature translational stop signal has been observed in individual(s) with dilated cardiomyopathy (DCM) (internal data). ClinVar contains an entry for this variant (Variation ID: 1509719). This variant is located in the A band of TTN (PMID: 25589632). Truncating variants in this region are significantly overrepresented in patients affected with dilated cardiomyopathy (PMID: 25589632). Truncating variants in this region have also been reported in individuals affected with autosomal recessive centronuclear myopathy (PMID: 23975875). In summary, the currently available evidence indicates that the variant is pathogenic, but additional data are needed to prove that conclusively. Therefore, this variant has been classified as Likely Pathogenic.

Literature cited by the submitters: PubMed 25589632 (cited by Labcorp Genetics (formerly Invitae), Labcorp); PubMed 23975875 (cited by Labcorp Genetics (formerly Invitae), Labcorp).

NM_001267550.2(TTN):c.81758del (p.Asn27253fs)

Genes: TTN (titin; minus strand), TTN-AS1 (TTN antisense RNA 1; plus strand). Cytogenetic location: 2q31.2.
Variant type: Deletion.
Coding change: c.81758del on transcript NM_001267550.2 (MANE Select); coding-DNA position 81758, one base deleted (A; older notation c.81758delA).
Protein change: p.Asn27253fs; shifts the reading frame from asparagine 27253.
Molecular consequence: frameshift variant.
Genome position (GRCh38, 1-based): chr2:178,564,374, T deleted on the plus strand (A on the coding strand, the reverse complement: TTN is on the minus strand); the first of 3 consecutive T bases (chr2:178,564,374-178,564,376); deleting any one gives the same sequence. VCF-style (leftmost placement, unchanged base first): chr2-178564373-GT-G. GRCh37 (hg19) VCF-style: chr2-179429100-GT-G.
Other names: c.54563delA (NM_003319.4); c.76835del, p.Asn25612fs (NM_001256850.1); c.54563del, p.Asn18188fs (NM_003319.4); c.74054del, p.Asn24685fs (NM_133378.4); c.54938del, p.Asn18313fs (NM_133432.3); c.55139del, p.Asn18380fs (NM_133437.4); c.81758del (NM_001267550.1); short protein forms N18188fs, N27253fs, N18313fs, N18380fs, N24685fs, N25612fs.
Identifiers: ClinVar variation 1509719 (VCV001509719.12), dbSNP rs2154162603, ClinGen allele CA2573134131.